The following is an entry in ClinVar:

ClinVar aggregate classification (germline): Uncertain significance (1 of 4 stars; one submission).

Allele frequency attached by ClinVar (database versions not stated): gnomAD 0.00001; TOPMed 0.00001; gnomAD exomes 0.00005.
gnomAD v4.1: 72 of 1,614,046 alleles (0.0045%); highest among the groups gnomAD compares: Non-Finnish European, 0.0058%; no homozygotes.

Submission:

Labcorp Genetics (formerly Invitae), Labcorp
Classification: Uncertain significance. Last evaluated: 2025-12-03. Review status: criteria provided, single submitter. Criteria: Invitae Variant Classification Sherloc (09022015). Collection method: clinical testing. Allele origin: germline.
Comment: This sequence change replaces threonine, which is neutral and polar, with isoleucine, which is neutral and non-polar, at codon 1312 of the KMT2A protein (p.Thr1312Ile). This variant is present in population databases (no rsID available, gnomAD 0.007%). This variant has not been reported in the literature in individuals affected with KMT2A-related conditions. ClinVar contains an entry for this variant (Variation ID: 1437416). An algorithm developed to predict the effect of missense changes on protein structure and function outputs the following: PolyPhen-2: "Benign". The isoleucine amino acid residue is found in multiple mammalian species, which suggests that this missense change does not adversely affect protein function. In summary, the available evidence is currently insufficient to determine the role of this variant in disease. Therefore, it has been classified as a Variant of Uncertain Significance.

NM_001197104.2(KMT2A):c.3935C>T (p.Thr1312Ile)

Gene: KMT2A (lysine methyltransferase 2A; plus strand). Cytogenetic location: 11q23.3.
Variant type: single nucleotide variant.
Coding change: c.3935C>T on transcript NM_001197104.2 (MANE Select); coding-DNA position 3935, C replaced by T.
Protein change: p.Thr1312Ile; replaces threonine 1312 with isoleucine.
Molecular consequence: missense variant.
Genome position (GRCh38, 1-based): chr11:118,482,015, C>T. VCF-style: chr11-118482015-C-T. GRCh37 (hg19) VCF-style: chr11-118352730-C-T.
Other names: c.3935C>T, p.Thr1312Ile (NM_005933.4); short protein forms T1312I.
Identifiers: ClinVar variation 1437416 (VCV001437416.9), dbSNP rs909520354, ClinGen allele CA229527713.